The following is an entry in ClinVar:

ClinVar aggregate classification (germline): Uncertain significance (1 of 4 stars; one submission).

Conditions:
Familial thoracic aortic aneurysm and aortic dissection (TAAD). Also called: Thoracic aortic aneurysms and dissections. Identifiers: Orphanet 91387, MedGen C4707243, MONDO:0019625.

gnomAD v4.1: 1 of 1,610,376 alleles (0.000062%); highest among the groups gnomAD compares: Non-Finnish European, 0.000085%; no homozygotes.

Submission:

Ambry Genetics
Classification: Uncertain significance for Familial thoracic aortic aneurysm and aortic dissection. Last evaluated: 2025-01-07. Review status: criteria provided, single submitter. Criteria: Ambry Variant Classification Scheme 2023. Collection method: clinical testing. Allele origin: germline.
Comment: The p.Q1026R variant (also known as c.3077A>G), located in coding exon 39 of the COL5A1 gene, results from an A to G substitution at nucleotide position 3077. The glutamine at codon 1026 is replaced by arginine, an amino acid with highly similar properties. This amino acid position is highly conserved in available vertebrate species. In addition, this alteration is predicted to be deleterious by in silico analysis. Based on the available evidence, the clinical significance of this variant remains unclear.

NM_000093.5(COL5A1):c.3077A>G (p.Gln1026Arg)

Gene: COL5A1 (collagen type V alpha 1 chain; plus strand). Cytogenetic location: 9q34.3.
Variant type: single nucleotide variant.
Coding change: c.3077A>G on transcript NM_000093.5 (MANE Select); coding-DNA position 3077, A replaced by G.
Protein change: p.Gln1026Arg; replaces glutamine 1026 with arginine.
Molecular consequence: missense variant.
Genome position (GRCh38, 1-based): chr9:134,802,958, A>G. VCF-style: chr9-134802958-A-G. GRCh37 (hg19) VCF-style: chr9-137694804-A-G.
Other names: c.3077A>G, p.Gln1026Arg (NM_001278074.1); short protein forms Q1026R.
Identifiers: ClinVar variation 3835308 (VCV003835308.1).